The following is an entry in ClinVar:

NM_006302.3(MOGS):c.1130A>G (p.Gln377Arg)

Gene: MOGS (mannosyl-oligosaccharide glucosidase; minus strand). Cytogenetic location: 2p13.1.
Variant type: single nucleotide variant.
Coding change: c.1130A>G on transcript NM_006302.3 (MANE Select); coding-DNA position 1130, A replaced by G.
Protein change: p.Gln377Arg; replaces glutamine 377 with arginine.
Molecular consequence: missense variant.
Genome position (GRCh38, 1-based): chr2:74,462,659, T>C on the plus strand (A>G on the coding strand, the complement: MOGS is on the minus strand). VCF-style: chr2-74462659-T-C. GRCh37 (hg19) VCF-style: chr2-74689786-T-C.
Other names: c.1130A>G, p.Gln377Arg (LRG_1226t1); c.812A>G, p.Gln271Arg (NM_001146158.2); short protein forms Q271R, Q377R.
Identifiers: ClinVar variation 654265 (VCV000654265.10), dbSNP rs202102671, ClinGen allele CA1724845.

ClinVar aggregate classification (germline): Conflicting classifications of pathogenicity. Review status: criteria provided, conflicting classifications (1 of 4 stars). 3 submissions from 3 submitters: Uncertain significance (2); Likely benign (1). Last evaluated 2026-01-15.

Conditions:
Inborn genetic diseases. Identifiers: MedGen C0950123, MeSH D030342.
MOGS-congenital disorder of glycosylation. Also called: GLUCOSIDASE I DEFICIENCY; MOGS-CDG; CDG IIb; CDG 2B. Identifiers: Orphanet 79330, MedGen C1853736, MONDO:0011629, OMIM 606056.

Allele frequency attached by ClinVar (database versions not stated): TOPMed 0.00011; gnomAD 0.00013; 1000 Genomes Project 30x 0.00016; ESP Exome Variant Server 0.00017; 1000 Genomes Project 0.00020.
gnomAD v4.1: 224 of 1,614,264 alleles (0.014%); highest among the groups gnomAD compares: Non-Finnish European, 0.014%; no homozygotes.

Submissions (3):

Labcorp Genetics (formerly Invitae), Labcorp
Classification: Uncertain significance for MOGS-congenital disorder of glycosylation. Last evaluated: 2026-01-15. Review status: criteria provided, single submitter. Criteria: Invitae Variant Classification Sherloc (09022015). Collection method: clinical testing. Allele origin: germline.
Comment: This sequence change replaces glutamine, which is neutral and polar, with arginine, which is basic and polar, at codon 377 of the MOGS protein (p.Gln377Arg). This variant is present in population databases (rs202102671, gnomAD 0.2%). This variant has not been reported in the literature in individuals affected with MOGS-related conditions. ClinVar contains an entry for this variant (Variation ID: 654265). Invitae Evidence Modeling of protein sequence and biophysical properties (such as structural, functional, and spatial information, amino acid conservation, physicochemical variation, residue mobility, and thermodynamic stability) indicates that this missense variant is not expected to disrupt MOGS protein function with a negative predictive value of 80%. In summary, the available evidence is currently insufficient to determine the role of this variant in disease. Therefore, it has been classified as a Variant of Uncertain Significance.

Ambry Genetics
Classification: Likely benign for Inborn genetic diseases. Last evaluated: 2023-12-27. Review status: criteria provided, single submitter. Criteria: Ambry Variant Classification Scheme 2023. Collection method: clinical testing. Allele origin: germline.

Fulgent Genetics
Classification: Uncertain significance for MOGS-congenital disorder of glycosylation. Last evaluated: 2021-12-02. Review status: criteria provided, single submitter. Criteria: ACMG Guidelines, 2015. Collection method: clinical testing. Allele origin: unknown.